The following is an entry in ClinVar:

NM_004646.4(NPHS1):c.-61G>A

Genes: KIRREL2 (kirre like nephrin family adhesion molecule 2; plus strand), NPHS1 (NPHS1 adhesion molecule, nephrin; minus strand). Cytogenetic location: 19q13.12.
Variant type: single nucleotide variant.
Coding change: c.-61G>A on transcript NM_004646.4 (MANE Select); 61 bases upstream of the start codon, G replaced by A.
Molecular consequence: 5 prime UTR variant.
Genome position (GRCh38, 1-based): chr19:35,851,898, C>T on the plus strand (G>A on the coding strand, the complement: NPHS1 is on the minus strand). VCF-style: chr19-35851898-C-T. GRCh37 (hg19) VCF-style: chr19-36342800-C-T.
Identifiers: ClinVar variation 328886 (VCV000328886.6), dbSNP rs75799457, ClinGen allele CA10651772.
Genomic context (GRCh38, chr19:35,851,898, plus strand): 5'-CACAGGTCCCCCTACTGTGACCCCCACAGCGCCCGCTGCCAGCCACCTGCGTCTGTCTGG[C>T]TTTCTCTGGGTCCCTCTCTGTGTGTCTCTGCCACCTGCTTTTCTTTTTTATCTCTTTCCG-3'

ClinVar aggregate classification (germline): Likely benign. Review status: criteria provided, multiple submitters, no conflicts (2 of 4 stars). 2 submissions from 2 submitters: Likely benign (2). Last evaluated 2018-01-13.

Conditions:
Congenital nephrotic syndrome. Also called: Familial nephrotic syndrome. Identifiers: MedGen C3501848, MeSH C535761, MONDO:0002350, HP:0008677.

Allele frequency attached by ClinVar (database versions not stated): gnomAD 0.00260 and 0.00171; TOPMed 0.00505; 1000 Genomes Project 30x 0.01187; 1000 Genomes Project 0.01298.
gnomAD v4.1: 3,327 of 1,456,974 alleles (0.23%); highest among the groups gnomAD compares: East Asian, 6.1%; 73 homozygotes.

Submissions (2):

Illumina Laboratory Services, Illumina
Classification: Likely benign for Congenital nephrotic syndrome. Last evaluated: 2018-01-13. Review status: criteria provided, single submitter. Criteria: ICSL Variant Classification Criteria 13 December 2019. Collection method: clinical testing. Allele origin: germline.
Comment: This variant was observed in the ICSL laboratory as part of a predisposition screen in an ostensibly healthy population. It had not been previously curated by ICSL or reported in the Human Gene Mutation Database (HGMD: prior to June 1st, 2018), and was therefore a candidate for classification through an automated scoring system. Utilizing variant allele frequency, disease prevalence and penetrance estimates, and inheritance mode, an automated score was calculated to assess if this variant is too frequent to cause the disease. Based on the score and internal cut-off values, a variant classified as likely benign is not then subjected to further curation. The score for this variant resulted in a classification of likely benign for this disease.

Breakthrough Genomics
Classification: Likely benign. Review status: criteria provided, single submitter. Criteria: ACMG Guidelines, 2015. Collection method: not provided. Allele origin: germline. Inheritance: Autosomal recessive inheritance. Affected: yes.